The following is an entry in ClinVar:

ClinVar aggregate classification (germline): Likely benign. Review status: criteria provided, single submitter (1 of 4 stars). 2 submissions from 2 submitters: Likely benign (1). 1 of the submissions does not count toward it. Last evaluated 2025-05-22.

Allele frequency attached by ClinVar (database versions not stated): gnomAD exomes 0.00006 and 0.00014; ExAC 0.00018; gnomAD 0.00059 and 0.00061; TOPMed 0.00060; ESP Exome Variant Server 0.00062; 1000 Genomes Project 0.00200; 1000 Genomes Project 30x 0.00234.
gnomAD v4.1: 175 of 1,613,580 alleles (0.011%); highest among the groups gnomAD compares: African/African-American, 0.23%; no homozygotes.

Submissions (2):

Labcorp Genetics (formerly Invitae), Labcorp
Classification: Likely benign. Last evaluated: 2025-05-22. Review status: criteria provided, single submitter. Criteria: Invitae Variant Classification Sherloc (09022015). Collection method: clinical testing. Allele origin: germline.

ITMI
No classification provided. Condition: AllHighlyPenetrant. Last evaluated: 2013-09-19. Review status: no classification provided. Collection method: reference population. Allele origin: germline. Not counted in ClinVar's aggregate classification.
Comment: Please see associated publication for description of ethnicities

Literature cited by the submitters: PubMed 24728327 (cited by ITMI).

NM_001349798.2(FBXW7):c.58A>G (p.Arg20Gly)

Gene: FBXW7 (F-box and WD repeat domain containing 7; minus strand). Cytogenetic location: 4q31.3.
Variant type: single nucleotide variant.
Coding change: c.58A>G on transcript NM_001349798.2 (MANE Select); coding-DNA position 58, A replaced by G.
Protein change: p.Arg20Gly; replaces arginine 20 with glycine.
Molecular consequence: missense variant.
Genome position (GRCh38, 1-based): chr4:152,411,746, T>C on the plus strand (A>G on the coding strand, the complement: FBXW7 is on the minus strand). VCF-style: chr4-152411746-T-C. GRCh37 (hg19) VCF-style: chr4-153332898-T-C.
Other names: c.58A>G, p.Arg20Gly (LRG_1141t1, NM_001257069.1, NM_033632.3); short protein forms R20G.
Identifiers: ClinVar variation 134383 (VCV000134383.2), dbSNP rs115679616, ClinGen allele CA159656.